The following is an entry in ClinVar:

NM_020632.3(ATP6V0A4):c.1256T>G (p.Leu419Arg)

Gene: ATP6V0A4 (ATPase H+ transporting V0 subunit a4; minus strand). Cytogenetic location: 7q34.
Variant type: single nucleotide variant.
Coding change: c.1256T>G on transcript NM_020632.3 (MANE Select); coding-DNA position 1256, T replaced by G.
Protein change: p.Leu419Arg; replaces leucine 419 with arginine.
Molecular consequence: missense variant.
Genome position (GRCh38, 1-based): chr7:138,747,489, A>C on the plus strand (T>G on the coding strand, the complement: ATP6V0A4 is on the minus strand). VCF-style: chr7-138747489-A-C. GRCh37 (hg19) VCF-style: chr7-138432234-A-C.
Other names: c.1256T>G, p.Leu419Arg (NM_130840.3, NM_130841.3); short protein forms L419R.
Identifiers: ClinVar variation 2573902 (VCV002573902.1), dbSNP rs2485219550, ClinGen allele CA369371479.

ClinVar aggregate classification (germline): Uncertain significance (1 of 4 stars; one submission).

Submission:

GeneDx
Classification: Uncertain significance. Last evaluated: 2023-01-24. Review status: criteria provided, single submitter. Criteria: GeneDx Variant Classification Process June 2021. Collection method: clinical testing. Allele origin: germline. Affected: yes.
Comment: Not observed at significant frequency in large population cohorts (gnomAD); In silico analysis supports that this missense variant does not alter protein structure/function; Has not been previously published as pathogenic or benign to our knowledge